The following is an entry in ClinVar:

ClinVar aggregate classification (germline): Conflicting classifications of pathogenicity. Review status: criteria provided, conflicting classifications (1 of 4 stars). 3 submissions from 3 submitters: Uncertain significance (1); Likely benign (2). Last evaluated 2025-07-31.

Conditions:
CHARGE syndrome (CHARGE). Also called: Hittner Hirsch Kreh syndrome; CHARGE ASSOCIATION--COLOBOMA, HEART ANOMALY, CHOANAL ATRESIA, RETARDATION, GENITAL AND EAR ANOMALIES; Coloboma, heart anomaly, choanal atresia, retardation, genital and ear anomalies; CHARGE association; Hall-Hittner syndrome. Identifiers: Orphanet 138, MedGen C0265354, MONDO:0008965.

gnomAD v4.1: 42 of 1,606,540 alleles (0.0026%); highest among the groups gnomAD compares: Middle Eastern, 0.017%; no homozygotes.

Submissions (3):

Labcorp Genetics (formerly Invitae), Labcorp
Classification: Likely benign for CHARGE syndrome. Last evaluated: 2025-07-31. Review status: criteria provided, single submitter. Criteria: Invitae Variant Classification Sherloc (09022015). Collection method: clinical testing. Allele origin: germline.

Blueprint Genetics
Classification: Likely benign. Last evaluated: 2024-10-23. Review status: criteria provided, single submitter. Criteria: ACMG Guidelines, 2015. Collection method: clinical testing. Allele origin: germline.

GeneDx
Classification: Uncertain significance. Last evaluated: 2019-05-22. Review status: criteria provided, single submitter. Criteria: GeneDx Variant Classification Process June 2021. Collection method: clinical testing. Allele origin: germline. Affected: yes.
Comment: Not observed at a significant frequency in large population cohorts (Lek et al., 2016); In silico analysis, which includes protein predictors and evolutionary conservation, supports that this variant does not alter protein structure/function; Has not been previously published as pathogenic or benign to our knowledge

NM_017780.4(CHD7):c.3191A>G (p.Lys1064Arg)

Gene: CHD7 (chromodomain helicase DNA binding protein 7; plus strand). Cytogenetic location: 8q12.2.
Variant type: single nucleotide variant.
Coding change: c.3191A>G on transcript NM_017780.4 (MANE Select); coding-DNA position 3191, A replaced by G.
Protein change: p.Lys1064Arg; replaces lysine 1064 with arginine.
Molecular consequence: missense variant. On other transcripts: intron variant (1).
Genome position (GRCh38, 1-based): chr8:60,822,736, A>G. VCF-style: chr8-60822736-A-G. GRCh37 (hg19) VCF-style: chr8-61735295-A-G.
Other names: c.1717-39493A>G (NM_001316690.1); short protein forms K1064R.
Identifiers: ClinVar variation 1306013 (VCV001306013.7), dbSNP rs771941657, ClinGen allele CA371310497.